The following is an entry in ClinVar:

ClinVar aggregate classification (germline): Likely benign. Review status: criteria provided, multiple submitters, no conflicts (2 of 4 stars). 2 submissions from 2 submitters: Likely benign (2). Last evaluated 2025-12-15.

Conditions:
Early-infantile DEE. Also called: Early infantile epileptic encephalopathy with suppression bursts; Ohtahara syndrome; Early infantile epileptic encephalopathy. Identifiers: Orphanet 1934, MedGen C0393706, MONDO:0800491.

Allele frequency attached by ClinVar (database versions not stated): ExAC 0.00001; gnomAD exomes 0.00001 and 0.00002; TOPMed 0.00004; gnomAD 0.00005 and 0.00006.
gnomAD v4.1: 19 of 1,614,086 alleles (0.0012%); highest among the groups gnomAD compares: African/African-American, 0.015%; no homozygotes.

Submissions (2):

Labcorp Genetics (formerly Invitae), Labcorp
Classification: Likely benign for Early-infantile DEE. Last evaluated: 2025-12-15. Review status: criteria provided, single submitter. Criteria: Invitae Variant Classification Sherloc (09022015). Collection method: clinical testing. Allele origin: germline.

GeneDx
Classification: Likely benign. Last evaluated: 2016-12-22. Review status: criteria provided, single submitter. Criteria: GeneDx Variant Classification (06012015). Collection method: clinical testing. Allele origin: germline. Affected: yes.
Comment: This variant is considered likely benign or benign based on one or more of the following criteria: it is a conservative change, it occurs at a poorly conserved position in the protein, it is predicted to be benign by multiple in silico algorithms, and/or has population frequency not consistent with disease.

NM_001130438.3(SPTAN1):c.2205T>C (p.Asp735=)

Gene: SPTAN1 (spectrin alpha, non-erythrocytic 1; plus strand). Cytogenetic location: 9q34.11.
Variant type: single nucleotide variant.
Coding change: c.2205T>C on transcript NM_001130438.3 (MANE Select); coding-DNA position 2205, T replaced by C.
Protein change: p.Asp735=; no amino-acid change (aspartic acid 735 retained).
Molecular consequence: synonymous variant.
Genome position (GRCh38, 1-based): chr9:128,584,293, T>C. VCF-style: chr9-128584293-T-C. GRCh37 (hg19) VCF-style: chr9-131346572-T-C.
Other names: c.2205T>C, p.Asp735= (NM_001195532.2, NM_001363759.2, NM_001363765.2 and 1 more transcripts).
Identifiers: ClinVar variation 392022 (VCV000392022.10), dbSNP rs781437907, ClinGen allele CA5264599.